The following is an entry in ClinVar:

NM_005120.3(MED12):c.4022G>A (p.Arg1341Gln)

Gene: MED12 (mediator complex subunit 12; plus strand). Cytogenetic location: Xq13.1.
Variant type: single nucleotide variant.
Coding change: c.4022G>A on transcript NM_005120.3 (MANE Select); coding-DNA position 4022, G replaced by A.
Protein change: p.Arg1341Gln; replaces arginine 1341 with glutamine.
Molecular consequence: missense variant.
Genome position (GRCh38, 1-based): chrX:71,130,189, G>A. VCF-style: chrX-71130189-G-A. GRCh37 (hg19) VCF-style: chrX-70350039-G-A.
Other names: c.4022G>A (NM_005120.2); short protein forms R1341Q.
Identifiers: ClinVar variation 2199055 (VCV002199055.10), dbSNP rs746705248, ClinGen allele CA10444574.

ClinVar aggregate classification (germline): Uncertain significance. Review status: criteria provided, multiple submitters, no conflicts (2 of 4 stars). 4 submissions from 4 submitters: Uncertain significance (4). Last evaluated 2025-04-30.

Conditions:
Familial thoracic aortic aneurysm and aortic dissection (TAAD). Also called: Thoracic aortic aneurysms and dissections. Identifiers: Orphanet 91387, MedGen C4707243, MONDO:0019625.
MED12-related intellectual disability syndrome. Identifiers: MedGen CN305246, MONDO:0100000.
FG syndrome 1 (OKS). Also called: OPITZ-KAVEGGIA SYNDROME; KELLER SYNDROME; MENTAL RETARDATION, LARGE HEAD, IMPERFORATE ANUS, CONGENITAL HYPOTONIA, AND PARTIAL AGENESIS OF CORPUS CALLOSUM; FG Syndrome Type 1 (FGS1). Identifiers: Orphanet 93932, MedGen C5399762, MONDO:0010590, OMIM 305450.
X-linked intellectual disability with marfanoid habitus. Also called: Lujan Syndrome; INTELLECTUAL DEVELOPMENTAL DISORDER, X-LINKED, SYNDROMIC, LUJAN-FRYNS TYPE; X-linked mental retardation with marfanoid habitus syndrome; Lujan Syndrome (LS). Identifiers: Orphanet 776, MedGen C0796022, MONDO:0010655, OMIM 309520.
Cholestasis-pigmentary retinopathy-cleft palate syndrome (HDKR). Also called: Hardikar Syndrome (HS). Identifiers: Orphanet 1415, MedGen C0795969, MeSH C535632, MONDO:0012997, OMIM 301068.
Blepharophimosis - intellectual disability syndrome, MKB type. Also called: BLEPHAROPHIMOSIS-MENTAL RETARDATION SYNDROME, MAAT-KIEVIT-BRUNNER TYPE; Ohdo syndrome, X-linked; X-Linked Ohdo Syndrome (XLOS). Identifiers: Orphanet 293707, MedGen C3698541, MONDO:0010477, OMIM 300895.
FG syndrome (FGS). Identifiers: MedGen C0220769, MONDO:0002010.

Allele frequency attached by ClinVar (database versions not stated): gnomAD exomes below 0.00001; gnomAD 0.00001; ExAC 0.00002.

Submissions (4):

Ambry Genetics
Classification: Uncertain significance for Familial thoracic aortic aneurysm and aortic dissection. Last evaluated: 2025-04-30. Review status: criteria provided, single submitter. Criteria: Ambry Variant Classification Scheme 2023. Collection method: clinical testing. Allele origin: germline.
Comment: The p.R1341Q variant (also known as c.4022G>A), located in coding exon 28 of the MED12 gene, results from a G to A substitution at nucleotide position 4022. The arginine at codon 1341 is replaced by glutamine, an amino acid with highly similar properties. This amino acid position is highly conserved in available vertebrate species. In addition, this alteration is predicted to be deleterious by in silico analysis. Based on data from gnomAD, the A allele has an overall frequency of 0.0010% (2/195918) total alleles studied, with 1 hemizygote(s) observed. The highest observed frequency was 0.0056% (1/17806) of South Asian alleles. Based on the available evidence, the clinical significance of this variant remains unclear.

Labcorp Genetics (formerly Invitae), Labcorp
Classification: Uncertain significance for FG syndrome. Last evaluated: 2023-08-23. Review status: criteria provided, single submitter. Criteria: Invitae Variant Classification Sherloc (09022015). Collection method: clinical testing. Allele origin: germline.
Comment: This sequence change replaces arginine, which is basic and polar, with glutamine, which is neutral and polar, at codon 1341 of the MED12 protein (p.Arg1341Gln). The frequency data for this variant in the population databases is considered unreliable, as metrics indicate poor data quality at this position in the gnomAD database. This variant has not been reported in the literature in individuals affected with MED12-related conditions. ClinVar contains an entry for this variant (Variation ID: 2199055). Advanced modeling of protein sequence and biophysical properties (such as structural, functional, and spatial information, amino acid conservation, physicochemical variation, residue mobility, and thermodynamic stability) performed at Invitae indicates that this missense variant is expected to disrupt MED12 protein function. In summary, the available evidence is currently insufficient to determine the role of this variant in disease. Therefore, it has been classified as a Variant of Uncertain Significance.

GeneDx
Classification: Uncertain significance. Last evaluated: 2023-04-10. Review status: criteria provided, single submitter. Criteria: GeneDx Variant Classification Process June 2021. Collection method: clinical testing. Allele origin: germline. Affected: yes.
Comment: Has not been previously published as pathogenic or benign to our knowledge; Not observed at significant frequency in large population cohorts (gnomAD); In silico analysis supports that this missense variant has a deleterious effect on protein structure/function

Molecular Genetics Lab, CHRU Brest
Classification: Uncertain significance for X-linked intellectual disability with marfanoid habitus; FG syndrome 1; Cholestasis-pigmentary retinopathy-cleft palate syndrome; Blepharophimosis - intellectual disability syndrome, MKB type. Review status: criteria provided, single submitter. Criteria: ACMG Guidelines, 2015. Collection method: clinical testing. Allele origin: maternal. Affected: yes.